The following is an entry in ClinVar:

NM_015102.5(NPHP4):c.1715C>A (p.Pro572Gln)

Gene: NPHP4 (nephrocystin 4; minus strand). Cytogenetic location: 1p36.31.
Variant type: single nucleotide variant.
Coding change: c.1715C>A on transcript NM_015102.5 (MANE Select); coding-DNA position 1715, C replaced by A.
Protein change: p.Pro572Gln; replaces proline 572 with glutamine.
Molecular consequence: missense variant. On other transcripts: non-coding transcript variant (1).
Genome position (GRCh38, 1-based): chr1:5,905,680, G>T on the plus strand (C>A on the coding strand, the complement: NPHP4 is on the minus strand). VCF-style: chr1-5905680-G-T. GRCh37 (hg19) VCF-style: chr1-5965740-G-T.
Other names: c.176C>A, p.Pro59Gln (NM_001291593.2); c.179C>A, p.Pro60Gln (NM_001291594.2); short protein forms P572Q, P59Q, P60Q.
Identifiers: ClinVar variation 836434 (VCV000836434.9), dbSNP rs183722664, ClinGen allele CA554403.

ClinVar aggregate classification (germline): Uncertain significance (1 of 4 stars; one submission).

Conditions:
Nephronophthisis. Also called: Juvenile Nephronophthisis. Identifiers: Orphanet 655, MedGen C0687120, MONDO:0019005, HP:0000090.

gnomAD v4.1: 2 of 1,613,918 alleles (0.00012%); highest among the groups gnomAD compares: Admixed American, 0.0033%; no homozygotes.

Submission:

Labcorp Genetics (formerly Invitae), Labcorp
Classification: Uncertain significance for Nephronophthisis. Last evaluated: 2023-11-06. Review status: criteria provided, single submitter. Criteria: Invitae Variant Classification Sherloc (09022015). Collection method: clinical testing. Allele origin: germline.
Comment: This sequence change replaces proline, which is neutral and non-polar, with glutamine, which is neutral and polar, at codon 572 of the NPHP4 protein (p.Pro572Gln). This variant is present in population databases (rs183722664, gnomAD 0.003%). This variant has not been reported in the literature in individuals affected with NPHP4-related conditions. ClinVar contains an entry for this variant (Variation ID: 836434). Advanced modeling of protein sequence and biophysical properties (such as structural, functional, and spatial information, amino acid conservation, physicochemical variation, residue mobility, and thermodynamic stability) performed at Invitae indicates that this missense variant is expected to disrupt NPHP4 protein function with a positive predictive value of 80%. In summary, the available evidence is currently insufficient to determine the role of this variant in disease. Therefore, it has been classified as a Variant of Uncertain Significance.